The following is an entry in ClinVar:

NM_001205293.3(CACNA1E):c.1054G>A (p.Gly352Arg)

Gene: CACNA1E (calcium voltage-gated channel subunit alpha1 E; plus strand). Cytogenetic location: 1q25.3.
Variant type: single nucleotide variant.
Coding change: c.1054G>A on transcript NM_001205293.3 (MANE Select); coding-DNA position 1054, G replaced by A.
Protein change: p.Gly352Arg; replaces glycine 352 with arginine.
Molecular consequence: missense variant.
Genome position (GRCh38, 1-based): chr1:181,651,440, G>A. VCF-style: chr1-181651440-G-A. GRCh37 (hg19) VCF-style: chr1-181620576-G-A.
Other names: c.1054G>A, p.Gly352Arg (NM_000721.4, NM_001205294.2); short protein forms G352R.
Identifiers: ClinVar variation 265066 (VCV000265066.28), dbSNP rs886039323, ClinGen allele CA10588271.

ClinVar aggregate classification (germline): Pathogenic/Likely pathogenic. Review status: criteria provided, multiple submitters, no conflicts (2 of 4 stars). 13 submissions from 13 submitters: Pathogenic (8); Likely pathogenic (2). 3 of the submissions do not count toward it. Last evaluated 2025-09-11.

Conditions:
Inborn genetic diseases. Identifiers: MedGen C0950123, MeSH D030342.
CACNA1E-related disorder. Also called: CACNA1E-related condition.
Developmental and epileptic encephalopathy, 69. Also called: EPILEPTIC ENCEPHALOPATHY, EARLY INFANTILE, 69. Identifiers: MedGen C4748988, MONDO:0032657, OMIM 618285.
Developmental and epileptic encephalopathy. Identifiers: MedGen C5779964, MONDO:0100620.

Submissions (13):

3billion
Classification: Pathogenic for Developmental and epileptic encephalopathy, 69. Last evaluated: 2025-09-11. Review status: criteria provided, single submitter. Criteria: ACMG Guidelines, 2015. Collection method: clinical testing. Allele origin: germline. Affected: yes.
Comment: The variant is not observed in the gnomAD v4.1.0 dataset. Predicted Consequence/Location: Missense variant In silico tool predictions suggest damaging effect of the variant on gene or gene product [REVEL: 0.91 (>=0.6, sensitivity 0.68 and specificity 0.92); 3Cnet: 0.99 (> 0.75, sensitivity 0.96 and precision 0.92)]. The same nucleotide change resulting in the same amino acid change has been previously reported as pathogenic/likely pathogenic with strong evidence (ClinVar ID: VCV000265066 /PMID: 30343943 /3billion dataset). The variant has been previously reported as de novo in a similarly affected individual (PMID: 30343943). The variant has been observed in multiple (>3) similarly affected unrelated individuals (PMID: 30343943). Therefore, this variant is classified as Pathogenic according to the recommendation of ACMG/AMP guideline.

Labcorp Genetics (formerly Invitae), Labcorp
Classification: Pathogenic. Last evaluated: 2024-10-16. Review status: criteria provided, single submitter. Criteria: Invitae Variant Classification Sherloc (09022015). Collection method: clinical testing. Allele origin: germline.
Comment: This sequence change replaces glycine, which is neutral and non-polar, with arginine, which is basic and polar, at codon 352 of the CACNA1E protein (p.Gly352Arg). This variant is not present in population databases (gnomAD no frequency). This missense change has been observed in individual(s) with developmental and epileptic encephalopathy (PMID: 30343943). In at least one individual the variant was observed to be de novo. ClinVar contains an entry for this variant (Variation ID: 265066). An algorithm developed to predict the effect of missense changes on protein structure and function (PolyPhen-2) suggests that this variant is likely to be tolerated. For these reasons, this variant has been classified as Pathogenic.

Institute of Medical Genetics and Genomics, Sir Ganga Ram Hospital
Classification: Pathogenic for Developmental and epileptic encephalopathy, 69. Last evaluated: 2023-10-23. Review status: criteria provided, single submitter. Criteria: ACMG Guidelines, 2015. Collection method: clinical testing. Allele origin: de novo. Inheritance: Autosomal dominant inheritance. Affected: yes. Observed: 1 heterozygote.
Comment: This nucleotide change is absent in gnomAD database [PM2]. Insilico prediction [REVEL=0.91] predicts deleterious nature of this variant. A clinvar entry for this variant is available. This variant is submitted to clinvar database [Variation ID: 265066] with “Pathogenic/Likely Pathogenic” interpretation by multiple submitter [PP5]. Parental segregation confirmed the de-novo status of this variant [PM6]. Based on the clinical correlation and available evidence, this variant is classified as "Pathogenic"

PreventionGenetics, part of Exact Sciences
Classification: Pathogenic for CACNA1E-related condition. Last evaluated: 2023-05-29. Review status: criteria provided, single submitter. Criteria: ACMG Guidelines, 2015. Collection method: clinical testing. Allele origin: germline.
Comment: The CACNA1E c.1054G>A variant is predicted to result in the amino acid substitution p.Gly352Arg. This variant has been reported as a recurrent de novo finding in individuals with autosomal dominant epileptic encephalopathy (Helbig et al. 2018. PubMed ID: 30343943, Table 1; OMIM #618285). Clinical features in affected individuals included seizures, hypotonia, hypertonia, dystonia, MRI abnormalities, profound developmental delay, macrocephaly, and contractures. This variant was also described as likely pathogenic in an individual who was tested as part of an epilepsy panel, but the phenotype of this patient was not given (Won et al. 2020. PubMed ID: 32695065). This variant is absent in the gnomAD population database, indicating that it is very rare. In ClinVar, this variant is interpreted as pathogenic and likely pathogenic. In summary, this variant is interpreted as pathogenic.

Genome-Nilou Lab
Classification: Likely pathogenic for Developmental and epileptic encephalopathy, 69. Last evaluated: 2023-04-11. Review status: criteria provided, single submitter. Criteria: ACMG Guidelines, 2015. Collection method: clinical testing. Allele origin: germline. Affected: no.

Illumina Laboratory Services, Illumina
Classification: Pathogenic. Last evaluated: 2022-08-31. Review status: criteria provided, single submitter. Criteria: ICSL CNVClassificationCriteria Aug2020. Collection method: clinical testing. Allele origin: unknown. Affected: yes.
Comment: The CACNA1E c.1054G>A (p.Gly352Arg) missense variant results in substitution of glycine at amino acid position 352 with arginine. This variant has been reported in a heterozygous state in at least 13 individuals with developmental and epileptic encephalopathy (PMID: 30343943; PMID: 32695065; PMID: 33776624; PMID: 35937981). Of these, all are WES or WGS studies and five have confirmed de novo inheritance. This variant is not found in version 2.1.1 or version 3.1.2 of the Genome Aggregation Database. Based on the available evidence, the c.1054G>A (p.Gly352Arg) variant is classified as pathogenic for CACNA1E-related developmental and epileptic encephalopathy.

Institute of Human Genetics, University of Leipzig Medical Center
Classification: Pathogenic for Developmental and epileptic encephalopathy, 69. Last evaluated: 2022-02-02. Review status: criteria provided, single submitter. Criteria: ACMG Guidelines, 2015. Collection method: clinical testing. Allele origin: unknown. Affected: yes.
Comment: _x000D_ Criteria applied: PS2_VSTR, PS4_MOD, PM1, PM2_SUP, PP3

GeneDx
Classification: Pathogenic. Last evaluated: 2021-12-10. Review status: criteria provided, single submitter. Criteria: GeneDx Variant Classification Process June 2021. Collection method: clinical testing. Allele origin: germline. Affected: yes.
Comment: Not observed in large population cohorts (Lek et al., 2016); In silico analysis supports that this missense variant has a deleterious effect on protein structure/function; This variant is associated with the following publications: (PMID: 30343943, 32695065)

Institute of Human Genetics Munich, TUM University Hospital
Classification: Pathogenic for Developmental and epileptic encephalopathy, 69. Last evaluated: 2019-04-03. Review status: criteria provided, single submitter. Criteria: Classification criteria August 2017. Collection method: clinical testing. Allele origin: de novo, germline. Inheritance: Autosomal dominant inheritance. Affected: yes. Observed: 2 heterozygotes. Clinical features observed: Cerebral atrophy (HP:0002059), Increased circulating lactate concentration (HP:0002151), Seizure (HP:0001250), Decreased activity of mitochondrial complex IV (HP:0008347), Hypotonia (HP:0001252), Decreased activity of mitochondrial complex I (HP:0011923), Global developmental delay (HP:0001263), High, narrow palate (HP:0002705), Scoliosis (HP:0002650), Dystonic disorder (HP:0001332), Ulnar deviation of the hand or of fingers of the hand (HP:0001193), Multiple joint contractures (HP:0002828), and 4 more.

Ambry Genetics
Classification: Likely pathogenic for Inborn genetic diseases. Last evaluated: 2018-05-15. Review status: criteria provided, single submitter. Criteria: Ambry exome assertion method (8-5-2015). Collection method: clinical testing. Allele origin: germline. Affected: yes. Observed: 1 variant allele.

Solve-RD Consortium
Classification: Likely pathogenic for Developmental and epileptic encephalopathy, 69. Last evaluated: 2022-06-01. Review status: no assertion criteria provided. Collection method: provider interpretation. Allele origin: inherited. Affected: yes. Not counted in ClinVar's aggregate classification.
Comment: Variant confirmed as disease-causing by referring clinical team

Variant identified during reanalysis of unsolved cases by the Solve-RD project. The Solve-RD project has received funding from the European Union’s Horizon 2020 research and innovation programme under grant agreement No 779257.

OMIM
Classification: Pathogenic for DEVELOPMENTAL AND EPILEPTIC ENCEPHALOPATHY 69. Last evaluated: 2020-11-18. Review status: no assertion criteria provided. Collection method: literature only. Allele origin: germline. Not counted in ClinVar's aggregate classification.

Yale Center for Mendelian Genomics, Yale University
Classification: Likely pathogenic for Developmental and epileptic encephalopathy. Last evaluated: 2018-11-01. Review status: no assertion criteria provided. Collection method: literature only. Allele origin: de novo. Affected: yes. Observed: 9 heterozygotes. Study: Yale Center for Mendelian Genomics. Not counted in ClinVar's aggregate classification.

Literature cited by the submitters: PubMed 30343943 (cited by 6 submitters); PubMed 35937981 (cited by Illumina Laboratory Services, Illumina); PubMed 33776624 (cited by Illumina Laboratory Services, Illumina); PubMed 32695065 (cited by Illumina Laboratory Services, Illumina); PubMed 39825153 (cited by Solve-RD Consortium).